The following is an entry in ClinVar:

NM_004168.4(SDHA):c.456+1G>T

Gene: SDHA (succinate dehydrogenase complex flavoprotein subunit A; plus strand). Cytogenetic location: 5p15.33.
Variant type: single nucleotide variant.
Coding change: c.456+1G>T on transcript NM_004168.4 (MANE Select); the canonical splice donor site of the intron after coding-DNA position 456, G replaced by T.
Molecular consequence: splice donor variant. On other transcripts: intron variant (1).
Genome position (GRCh38, 1-based): chr5:225,563, G>T. VCF-style: chr5-225563-G-T. GRCh37 (hg19) VCF-style: chr5-225678-G-T.
Other names: c.456+1G>T (NM_001330758.2); c.313-320G>T (NM_001294332.2).
Identifiers: ClinVar variation 825002 (VCV000825002.9), dbSNP rs1579384604, ClinGen allele CA359009719.

ClinVar aggregate classification (germline): Likely pathogenic. Review status: criteria provided, multiple submitters, no conflicts (2 of 4 stars). 3 submissions from 3 submitters: Likely pathogenic (3). Last evaluated 2026-08-11.

Conditions:
Hereditary cancer-predisposing syndrome. Also called: Hereditary neoplastic syndrome; Neoplastic Syndromes, Hereditary; Tumor predisposition; Hereditary Cancer Syndrome. Identifiers: Orphanet 140162, MedGen C0027672, MeSH D009386, MONDO:0015356.
Pheochromocytoma/paraganglioma syndrome 5. Also called: Paragangliomas 5; SDHA-Related Hereditary Paraganglioma-Pheochromocytoma Syndrome. Identifiers: Orphanet 29072, MedGen C3279992, MONDO:0013602, OMIM 614165.
Mitochondrial complex II deficiency, nuclear type 1. Also called: SUCCINATE CoQ REDUCTASE DEFICIENCY. Identifiers: Orphanet 3208, MedGen C5700310, MONDO:0100294, OMIM 252011.

gnomAD v4.1: 1 of 1,613,894 alleles (0.000062%); highest among the groups gnomAD compares: Non-Finnish European, 0.000085%; no homozygotes.

Submissions (3):

Myriad Genetics, Inc.
Classification: Likely pathogenic for Pheochromocytoma/paraganglioma syndrome 5. Last evaluated: 2026-08-11. Review status: criteria provided, single submitter. Criteria: Myriad Autosomal Dominant, Autosomal Recessive and X-Linked Classification Criteria (2023). Collection method: clinical testing. Allele origin: unknown.
Comment: This variant is considered likely pathogenic. This variant occurs within a consensus splice junction and is predicted to result in abnormal mRNA splicing of either an out-of-frame exon or an in-frame exon necessary for protein stability and/or normal function.

Ambry Genetics
Classification: Likely pathogenic for Hereditary cancer-predisposing syndrome. Last evaluated: 2025-11-12. Review status: criteria provided, single submitter. Criteria: Ambry Variant Classification Scheme 2023. Collection method: clinical testing. Allele origin: germline.
Comment: The c.456+1G>T intronic variant results from a G to T substitution one nucleotide after coding exon 4 of the SDHA gene. Alterations that disrupt the canonical splice site are expected to result in aberrant splicing. In silico splice site analysis predicts that this alteration will weaken the native splice donor site. A resulting transcript is predicted to be in-frame and is not expected to trigger nonsense-mediated mRNAdecay. However, the region predicted to be impacted is critical for protein function and a significant portion of the protein is predicted to be impacted (Ambry internal data). RNA studies have demonstrated that this alteration results in abnormal splicing in the set of samples tested (Ambry internal data). This variant is considered to be rare based on population cohorts in the Genome Aggregation Database (gnomAD). This nucleotide position is highly conserved in available vertebrate species. Based on the majority of available evidence to date, this variant is likely to be pathogenic.

Labcorp Genetics (formerly Invitae), Labcorp
Classification: Likely pathogenic for Pheochromocytoma/paraganglioma syndrome 5; Mitochondrial complex II deficiency, nuclear type 1. Last evaluated: 2023-03-14. Review status: criteria provided, single submitter. Criteria: Invitae Variant Classification Sherloc (09022015). Collection method: clinical testing. Allele origin: germline.
Comment: This sequence change affects a donor splice site in intron 4 of the SDHA gene. It is expected to disrupt RNA splicing. Variants that disrupt the donor or acceptor splice site typically lead to a loss of protein function (PMID: 16199547), and loss-of-function variants in SDHA are known to be pathogenic (PMID: 22974104, 24781757). This variant is not present in population databases (gnomAD no frequency). This variant has not been reported in the literature in individuals affected with SDHA-related conditions. ClinVar contains an entry for this variant (Variation ID: 825002). Algorithms developed to predict the effect of sequence changes on RNA splicing suggest that this variant may disrupt the consensus splice site. In summary, the currently available evidence indicates that the variant is pathogenic, but additional data are needed to prove that conclusively. Therefore, this variant has been classified as Likely Pathogenic.

Literature cited by the submitters: PubMed 16199547 (cited by Labcorp Genetics (formerly Invitae), Labcorp); PubMed 22974104 (cited by Labcorp Genetics (formerly Invitae), Labcorp); PubMed 24781757 (cited by Labcorp Genetics (formerly Invitae), Labcorp).